The following is an entry in ClinVar:

NM_006618.5(KDM5B):c.576+211C>T

Gene: KDM5B (lysine demethylase 5B; minus strand). Cytogenetic location: 1q32.1.
Variant type: single nucleotide variant.
Coding change: c.576+211C>T on transcript NM_006618.5 (MANE Select); 211 bases into the intron after coding-DNA position 576, C replaced by T.
Molecular consequence: intron variant.
Genome position (GRCh38, 1-based): chr1:202,772,907, G>A on the plus strand (C>T on the coding strand, the complement: KDM5B is on the minus strand). VCF-style: chr1-202772907-G-A. GRCh37 (hg19) VCF-style: chr1-202742035-G-A.
Other names: c.561+211C>T (NM_001399817.1); c.576+211C>T (NM_001347591.2, NM_001314042.2).
Identifiers: ClinVar variation 2639808 (VCV002639808.24), dbSNP rs2527625306, ClinGen allele CA2695199964.

ClinVar aggregate classification (germline): Likely benign (1 of 4 stars; one submission).

Submission:

CeGaT Center for Human Genetics Tuebingen
Classification: Likely benign. Last evaluated: 2023-01-01. Review status: criteria provided, single submitter. Criteria: CeGaT Center For Human Genetics Tuebingen Variant Classification Criteria Version 2. Collection method: clinical testing. Allele origin: germline. Affected: yes. Observed: 1 variant allele.
Comment: KDM5B: PM2:Supporting, BP4, BP7